The following is an entry in ClinVar:

ClinVar aggregate classification (germline): Likely pathogenic (1 of 4 stars; one submission).

Conditions:
Wiskott-Aldrich syndrome (WAS). Also called: WISKOTT-ALDRICH SYNDROME 1; Wiskott-aldrich syndrome, somatic; ALDRICH SYNDROME; IMMUNODEFICIENCY 2. Identifiers: Orphanet 906, MedGen C0043194, MONDO:0010518, OMIM 301000.

Submission:

Laboratorio de Genomica, Unidad de Medicina Traslacional, Hospital de Ninos R. Gutierrez
Classification: Likely pathogenic for Wiskott-Aldrich syndrome. Last evaluated: 2021-04-14. Review status: criteria provided, single submitter. Criteria: ACMG Guidelines, 2015. Collection method: clinical testing. Allele origin: maternal. Inheritance: X-linked recessive inheritance. Affected: yes. Observed: 1 hemizygote.
Comment: This sequence change replaces leucine with proline at codon 35 of the WAS protein (p.Leu35Pro) resulting in a non-conservative aminoacid change predicted to be deleterious by multiple lines of computational evidence. This variant affects WH1/EVH1 domain, where most of the mutations are found in patients with Wiskott-Aldrich syndrome. The majority of mutations that impact WAS gene expression are missense mutations located within the four first exons (PMID: 15284122, PMID: 23527602). This variant is not present in population databases (gnomAD) and has not been reported in the literature in WAS-related conditions; however, a variant in the same position but causing a different aminoacid change (p.Leu35His) has been reported before (PMID: 15284122) as pathogenic and shown to lead to reduced protein expression. Based on the evidence outlined above, the variant was classified as likely pathogenic (LP) according to ACMG criteria (PP3_strong, PM5_moderate, PM1_supporting, PM2_supporting)(PMID: 25741868)

Literature cited by the submitters: PubMed 15284122; PubMed 23527602.

NM_000377.3(WAS):c.104T>C (p.Leu35Pro)

Gene: WAS (WASP actin nucleation promoting factor; plus strand). Cytogenetic location: Xp11.23.
Variant type: single nucleotide variant.
Coding change: c.104T>C on transcript NM_000377.3 (MANE Select); coding-DNA position 104, T replaced by C.
Protein change: p.Leu35Pro; replaces leucine 35 with proline.
Molecular consequence: missense variant.
Genome position (GRCh38, 1-based): chrX:48,683,957, T>C. VCF-style: chrX-48683957-T-C. GRCh37 (hg19) VCF-style: chrX-48542346-T-C.
Other names: short protein forms L35P.
Identifiers: ClinVar variation 2498141 (VCV002498141.2), dbSNP rs2519277671, ClinGen allele CA412865777.
Genomic context (GRCh38, chrX:48,683,957, plus strand): 5'-CACCAGCGGTTCAGCAGAACATACCCTCCACCCTCCTCCAGGACCACGAGAACCAGCGAC[T>C]CTTTGAGATGCTTGGACGAAAATGCTTGGTGAGCTGGGGATCTCCTGCCCCCGCCCCGTC-3'
Protein context (NP_000368.1, residues 25-45): TLLQDHENQR[Leu35Pro]FEMLGRKCLT